The following is an entry in ClinVar:

NM_000059.4(BRCA2):c.7603T>C (p.Cys2535Arg)

Gene: BRCA2 (BRCA2 DNA repair associated; plus strand). Cytogenetic location: 13q13.1.
Variant type: single nucleotide variant.
Coding change: c.7603T>C on transcript NM_000059.4 (MANE Select); coding-DNA position 7603, T replaced by C.
Protein change: p.Cys2535Arg; replaces cysteine 2535 with arginine.
Molecular consequence: missense variant.
Genome position (GRCh38, 1-based): chr13:32,356,595, T>C. VCF-style: chr13-32356595-T-C. GRCh37 (hg19) VCF-style: chr13-32930732-T-C.
Other names: short protein forms C2535R.
Identifiers: ClinVar variation 495502 (VCV000495502.3), dbSNP rs1555286309, ClinGen allele CA387743967.

ClinVar aggregate classification (germline): Uncertain significance. Review status: criteria provided, multiple submitters, no conflicts (2 of 4 stars). 2 submissions from 2 submitters: Uncertain significance (2). Last evaluated 2024-05-22.

Conditions:
Hereditary breast ovarian cancer syndrome. Also called: Hereditary breast and/or ovarian cancer syndrome; BRCA1- and BRCA2-Associated Hereditary Breast and Ovarian Cancer; Breast and ovarian cancer; Hereditary breast and ovarian cancer; Hereditary breast and ovarian cancer syndrome; Hereditary breast and ovarian cancer syndrome (HBOC). Identifiers: Orphanet 145, MedGen C0677776, MeSH D061325, MONDO:0003582. Disease mechanism: loss of function.

Submissions (2):

Labcorp Genetics (formerly Invitae), Labcorp
Classification: Uncertain significance for Hereditary breast ovarian cancer syndrome. Last evaluated: 2024-05-22. Review status: criteria provided, single submitter. Criteria: Invitae Variant Classification Sherloc (09022015). Collection method: clinical testing. Allele origin: germline.
Comment: This sequence change replaces cysteine, which is neutral and slightly polar, with arginine, which is basic and polar, at codon 2535 of the BRCA2 protein (p.Cys2535Arg). This variant is not present in population databases (gnomAD no frequency). This variant has not been reported in the literature in individuals affected with BRCA2-related conditions. ClinVar contains an entry for this variant (Variation ID: 495502). Advanced modeling of protein sequence and biophysical properties (such as structural, functional, and spatial information, amino acid conservation, physicochemical variation, residue mobility, and thermodynamic stability) performed at Invitae indicates that this missense variant is not expected to disrupt BRCA2 protein function with a negative predictive value of 95%. In summary, the available evidence is currently insufficient to determine the role of this variant in disease. Therefore, it has been classified as a Variant of Uncertain Significance.

Women's Health and Genetics/Laboratory Corporation of America, LabCorp
Classification: Uncertain significance. Last evaluated: 2016-08-22. Review status: criteria provided, single submitter. Criteria: LabCorp Variant Classification Summary - May 2015. Collection method: clinical testing. Allele origin: germline.
Comment: Variant summary: The BRCA2 c.7603T>C (p.Cys2535Arg) variant involves the alteration of a non-conserved nucleotide. 3/5 in silico tools predict a benign outcome for this variant. This variant is absent in 120458 control chromosomes. The variant of interest has not, to our knowledge, been reported in affected individuals via publications and/or reputable databases/clinical diagnostic laboratories; nor evaluated for functional impact by in vivo/vitro studies. Because of the absence of clinical information and the lack of functional studies, the variant is classified as a variant of uncertain significance (VUS) until additional information becomes available.